The following is an entry in ClinVar:

ClinVar aggregate classification (germline): Uncertain significance (1 of 4 stars; one submission).

Conditions:
Primary dilated cardiomyopathy (DCM). Also called: Dilated Cardiomyopathy. Identifiers: Orphanet 217604, MedGen C0007193, MeSH D002311, MONDO:0005021, HP:0001644. Inheritance: Various modes of inheritance.

Submission:

Labcorp Genetics (formerly Invitae), Labcorp
Classification: Uncertain significance for Primary dilated cardiomyopathy. Last evaluated: 2021-11-17. Review status: criteria provided, single submitter. Criteria: Invitae Variant Classification Sherloc (09022015). Collection method: clinical testing. Allele origin: germline.
Comment: Algorithms developed to predict the effect of missense changes on protein structure and function are either unavailable or do not agree on the potential impact of this missense change (SIFT: "Deleterious"; PolyPhen-2: "Probably Damaging"; Align-GVGD: "Class C0"). In summary, the available evidence is currently insufficient to determine the role of this variant in disease. Therefore, it has been classified as a Variant of Uncertain Significance. This variant has not been reported in the literature in individuals affected with NEBL-related conditions. This variant is not present in population databases (gnomAD no frequency). This sequence change replaces serine, which is neutral and polar, with isoleucine, which is neutral and non-polar, at codon 335 of the NEBL protein (p.Ser335Ile).

NM_006393.3(NEBL):c.1004G>T (p.Ser335Ile)

Gene: NEBL (nebulette; minus strand). Cytogenetic location: 10p12.31.
Variant type: single nucleotide variant.
Coding change: c.1004G>T on transcript NM_006393.3 (MANE Select); coding-DNA position 1004, G replaced by T.
Protein change: p.Ser335Ile; replaces serine 335 with isoleucine.
Molecular consequence: missense variant. On other transcripts: intron variant (9).
Genome position (GRCh38, 1-based): chr10:20,852,549, C>A on the plus strand (G>T on the coding strand, the complement: NEBL is on the minus strand). VCF-style: chr10-20852549-C-A. GRCh37 (hg19) VCF-style: chr10-21141478-C-A.
Other names: c.250-39609G>T (NM_001377326.1, NM_001377327.1, NM_001377328.1); c.358-39609G>T (NM_213569.2, NM_001173484.2, NM_001377322.1); c.301-39609G>T (NM_001377324.1); c.292-39609G>T (NM_001377325.1); c.310-39609G>T (NM_001377323.1); short protein forms S335I.
Identifiers: ClinVar variation 1446611 (VCV001446611.6), dbSNP rs1842654577, ClinGen allele CA376100416.